The following is an entry in ClinVar:

ClinVar aggregate classification (germline): Uncertain significance (0 of 4 stars; one submission).

Conditions:
KMT5B-related disorder. Also called: KMT5B-related condition.

Allele frequency attached by ClinVar (database versions not stated): gnomAD exomes below 0.00001.
gnomAD v4.1: 1 of 1,614,180 alleles (0.000062%); highest among the groups gnomAD compares: Non-Finnish European, 0.000085%; no homozygotes.

Submission:

PreventionGenetics, part of Exact Sciences
Classification: Uncertain significance for KMT5B-related condition. Last evaluated: 2023-12-06. Review status: no assertion criteria provided. Collection method: clinical testing. Allele origin: germline.
Comment: The KMT5B c.2515G>A variant is predicted to result in the amino acid substitution p.Asp839Asn. To our knowledge, this variant has not been reported in the literature or in a large population database, indicating this variant is rare. At this time, the clinical significance of this variant is uncertain due to the absence of conclusive functional and genetic evidence.

NM_017635.5(KMT5B):c.2515G>A (p.Asp839Asn)

Gene: KMT5B (lysine methyltransferase 5B; minus strand). Cytogenetic location: 11q13.2.
Variant type: single nucleotide variant.
Coding change: c.2515G>A on transcript NM_017635.5 (MANE Select); coding-DNA position 2515, G replaced by A.
Protein change: p.Asp839Asn; replaces aspartic acid 839 with asparagine.
Molecular consequence: missense variant.
Genome position (GRCh38, 1-based): chr11:68,157,831, C>T on the plus strand (G>A on the coding strand, the complement: KMT5B is on the minus strand). VCF-style: chr11-68157831-C-T. GRCh37 (hg19) VCF-style: chr11-67925298-C-T.
Other names: c.1999G>A, p.Asp667Asn (NM_001300907.1, NM_001369428.1, NM_001369429.1 and 4 more transcripts); c.1795G>A, p.Asp599Asn (NM_001300908.2); c.2515G>A, p.Asp839Asn (NM_001369426.1); short protein forms D599N, D667N, D839N.
Identifiers: ClinVar variation 3029732 (VCV003029732.2), dbSNP rs2496180216, ClinGen allele CA381586543.